The following is an entry in ClinVar:

ClinVar aggregate classification (germline): Uncertain significance (1 of 4 stars; one submission).

Submission:

Women's Health and Genetics/Laboratory Corporation of America, LabCorp
Classification: Uncertain significance. Last evaluated: 2024-07-09. Review status: criteria provided, single submitter. Criteria: LabCorp Variant Classification Summary - May 2015. Collection method: clinical testing. Allele origin: germline.
Comment: Variant summary: CHMP2B c.499_501delinsGTG (p.Leu167Val) results in a conservative amino acid change in the encoded protein sequence. Three of five in-silico tools predict a damaging effect of the variant on protein function. The variant was absent in 250792 control chromosomes (gnomAD). The available data on variant occurrences in the general population are insufficient to allow any conclusion about variant significance. To our knowledge, no occurrence of c.499_501delinsGTG in individuals affected with Frontotemporal Dementia And/or Amyotrophic Lateral Sclerosis 7 and no experimental evidence demonstrating its impact on protein function have been reported. No submitters have cited clinical-significance assessments for this variant to ClinVar. Based on the evidence outlined above, the variant was classified as uncertain significance.

NM_014043.4(CHMP2B):c.499_501delinsGTG (p.Leu167Val)

Gene: CHMP2B (charged multivesicular body protein 2B; plus strand). Cytogenetic location: 3p11.2.
Variant type: Indel.
Coding change: c.499_501delinsGTG on transcript NM_014043.4 (MANE Select); coding-DNA positions 499 to 501, CTT replaced by GTG.
Protein change: p.Leu167Val; replaces leucine 167 with valine.
Molecular consequence: missense variant.
Genome position (GRCh38, 1-based): chr3:87,253,478-87,253,480, CTT replaced by GTG. VCF-style: chr3-87253478-CTT-GTG. GRCh37 (hg19) VCF-style: chr3-87302628-CTT-GTG.
Other names: c.376_378delinsGTG, p.Leu126Val (NM_001244644.2); c.595_597delinsGTG, p.Leu199Val (NM_001410777.1); short protein forms L126V, L167V, L199V.
Identifiers: ClinVar variation 3339033 (VCV003339033.1).
Genomic context (GRCh38, chr3:87,253,478, plus strand): 5'-GATGACATCTTTGACGGTTCTGATGACGAAGAAGAAAGCCAGGATATTGTGAATCAAGTT[CTT>GTG]GATGAAATTGGAATTGAAATTTCTGGAAAGGTATGAACATCATCTTTTCTTAGTTGGAAA-3'
Protein context (NP_054762.2, residues 157-177): EESQDIVNQV[Leu167Val]DEIGIEISGK